The following is an entry in ClinVar:

ClinVar aggregate classification (germline): Uncertain significance (1 of 4 stars; one submission).

Allele frequency attached by ClinVar (database versions not stated): gnomAD exomes below 0.00001; ExAC 0.00001.
gnomAD v4.1: 2 of 1,613,994 alleles (0.00012%); highest among the groups gnomAD compares: Non-Finnish European, 0.000085%; no homozygotes.

Submission:

Ambry Genetics
Classification: Uncertain significance. Last evaluated: 2022-07-01. Review status: criteria provided, single submitter. Criteria: Ambry Variant Classification Scheme 2023. Collection method: clinical testing. Allele origin: germline.
Comment: The p.F959C variant (also known as c.2876T>G), located in coding exon 25 of the KIF1B gene, results from a T to G substitution at nucleotide position 2876. The phenylalanine at codon 959 is replaced by cysteine, an amino acid with highly dissimilar properties. This amino acid position is conserved. In addition, this alteration is predicted to be deleterious by in silico analysis. Since supporting evidence is limited at this time, the clinical significance of this alteration remains unclear.

NM_001365951.3(KIF1B):c.3014T>G (p.Phe1005Cys)

Gene: KIF1B (kinesin family member 1B; plus strand). Cytogenetic location: 1p36.22.
Variant type: single nucleotide variant.
Coding change: c.3014T>G on transcript NM_001365951.3 (MANE Select); coding-DNA position 3014, T replaced by G.
Protein change: p.Phe1005Cys; replaces phenylalanine 1005 with cysteine.
Molecular consequence: missense variant.
Genome position (GRCh38, 1-based): chr1:10,334,609, T>G. VCF-style: chr1-10334609-T-G. GRCh37 (hg19) VCF-style: chr1-10394667-T-G.
Other names: c.3014T>G, p.Phe1005Cys (NM_001365952.1); c.2876T>G, p.Phe959Cys (NM_015074.3); short protein forms F959C, F1005C.
Identifiers: ClinVar variation 1797107 (VCV001797107.2), dbSNP rs780454200, ClinGen allele CA581669.